The following is an entry in ClinVar:

NM_016562.4(TLR7):c.1325T>A (p.Val442Asp)

Gene: TLR7 (toll like receptor 7; plus strand). Cytogenetic location: Xp22.2.
Variant type: single nucleotide variant.
Coding change: c.1325T>A on transcript NM_016562.4 (MANE Select); coding-DNA position 1325, T replaced by A.
Protein change: p.Val442Asp; replaces valine 442 with aspartic acid.
Molecular consequence: missense variant.
Genome position (GRCh38, 1-based): chrX:12,886,833, T>A. VCF-style: chrX-12886833-T-A. GRCh37 (hg19) VCF-style: chrX-12904952-T-A.
Other names: short protein forms V442D.
Identifiers: ClinVar variation 4750244 (VCV004750244.1).

ClinVar aggregate classification (germline): Uncertain significance (1 of 4 stars; one submission).

Submission:

Labcorp Genetics (formerly Invitae), Labcorp
Classification: Uncertain significance. Last evaluated: 2025-09-24. Review status: criteria provided, single submitter. Criteria: Invitae Variant Classification Sherloc (09022015). Collection method: clinical testing. Allele origin: germline.
Comment: This sequence change replaces valine, which is neutral and non-polar, with aspartic acid, which is acidic and polar, at codon 442 of the TLR7 protein (p.Val442Asp). This variant is present in population databases (no rsID available, gnomAD 0.001%). This variant has not been reported in the literature in individuals affected with TLR7-related conditions. An algorithm developed to predict the effect of missense changes on protein structure and function outputs the following: PolyPhen-2: "Benign". The aspartic acid amino acid residue is found in multiple mammalian species, which suggests that this missense change does not adversely affect protein function. Experimental studies have shown that this missense change does not substantially affect TLR7 function (PMID: 34413140). In summary, the available evidence is currently insufficient to determine the role of this variant in disease. Therefore, it has been classified as a Variant of Uncertain Significance.

Literature cited by the submitters: PubMed 34413140.